The following is an entry in ClinVar:

ClinVar aggregate classification (germline): Uncertain significance. Review status: criteria provided, multiple submitters, no conflicts (2 of 4 stars). 3 submissions from 3 submitters: Uncertain significance (3). Last evaluated 2025-04-12.

Conditions:
Inborn genetic diseases. Identifiers: MedGen C0950123, MeSH D030342.
Nephronophthisis. Also called: Juvenile Nephronophthisis. Identifiers: Orphanet 655, MedGen C0687120, MONDO:0019005, HP:0000090.

Allele frequency attached by ClinVar (database versions not stated): gnomAD exomes 0.00002; ExAC 0.00005.

Submissions (3):

Ambry Genetics
Classification: Uncertain significance for Inborn genetic diseases. Last evaluated: 2025-04-12. Review status: criteria provided, single submitter. Criteria: Ambry Variant Classification Scheme 2023. Collection method: clinical testing. Allele origin: germline.

GeneDx
Classification: Uncertain significance. Last evaluated: 2024-03-18. Review status: criteria provided, single submitter. Criteria: GeneDx Variant Classification Process June 2021. Collection method: clinical testing. Allele origin: germline. Affected: yes.
Comment: Not observed at significant frequency in large population cohorts (gnomAD); In silico analysis supports that this missense variant does not alter protein structure/function; Has not been previously published as pathogenic or benign to our knowledge

Labcorp Genetics (formerly Invitae), Labcorp
Classification: Uncertain significance for Nephronophthisis. Last evaluated: 2021-08-27. Review status: criteria provided, single submitter. Criteria: Invitae Variant Classification Sherloc (09022015). Collection method: clinical testing. Allele origin: germline.
Comment: This sequence change replaces alanine with glutamic acid at codon 52 of the NPHP3 protein (p.Ala52Glu). The alanine residue is weakly conserved and there is a moderate physicochemical difference between alanine and glutamic acid. This variant is present in population databases (rs747055547, ExAC 0.01%). This variant has not been reported in the literature in individuals affected with NPHP3-related conditions. Algorithms developed to predict the effect of missense changes on protein structure and function are either unavailable or do not agree on the potential impact of this missense change (SIFT: "Deleterious"; PolyPhen-2: "Benign"; Align-GVGD: "Class C0"). In summary, the available evidence is currently insufficient to determine the role of this variant in disease. Therefore, it has been classified as a Variant of Uncertain Significance.

NM_153240.5(NPHP3):c.155C>A (p.Ala52Glu)

Genes: NPHP3-ACAD11 (NPHP3-ACAD11 readthrough (NMD candidate); minus strand), NPHP3-AS1 (NPHP3 antisense RNA 1; plus strand), NPHP3 (nephrocystin 3; minus strand), LOC129937586 (ATAC-STARR-seq lymphoblastoid silent region 14743; plus strand). Cytogenetic location: 3q22.1.
Variant type: single nucleotide variant.
Coding change: c.155C>A on transcript NM_153240.5 (MANE Select); coding-DNA position 155, C replaced by A.
Protein change: p.Ala52Glu; replaces alanine 52 with glutamic acid.
Molecular consequence: missense variant. On other transcripts: non-coding transcript variant (3).
Genome position (GRCh38, 1-based): chr3:132,722,201, G>T on the plus strand (C>A on the coding strand, the complement: NPHP3 is on the minus strand). VCF-style: chr3-132722201-G-T. GRCh37 (hg19) VCF-style: chr3-132441045-G-T.
Other names: c.155C>A (NM_153240.4); short protein forms A52E.
Identifiers: ClinVar variation 1436592 (VCV001436592.7), dbSNP rs747055547, ClinGen allele CA2622698.